The following is an entry in ClinVar:

NM_000368.5(TSC1):c.1486C>T (p.Pro496Ser)

Gene: TSC1 (TSC complex subunit 1; minus strand). Cytogenetic location: 9q34.13.
Variant type: single nucleotide variant.
Coding change: c.1486C>T on transcript NM_000368.5 (MANE Select); coding-DNA position 1486, C replaced by T.
Protein change: p.Pro496Ser; replaces proline 496 with serine.
Molecular consequence: missense variant.
Genome position (GRCh38, 1-based): chr9:132,906,092, G>A on the plus strand (C>T on the coding strand, the complement: TSC1 is on the minus strand). VCF-style: chr9-132906092-G-A. GRCh37 (hg19) VCF-style: chr9-135781479-G-A.
Other names: c.1483C>T, p.Pro495Ser (NM_001162426.2, NM_001406597.1, NM_001406598.1 and 6 more transcripts); c.1333C>T, p.Pro445Ser (NM_001162427.2, NM_001406610.1); c.1123C>T, p.Pro375Ser (NM_001362177.2, NM_001406614.1, NM_001406615.1 and 5 more transcripts); c.1486C>T, p.Pro496Ser (NM_001406592.1, NM_001406593.1, NM_001406594.1 and 7 more transcripts); c.1330C>T, p.Pro444Ser (NM_001406611.1, NM_001406612.1, NM_001406613.1); c.1120C>T, p.Pro374Ser (NM_001406620.1, NM_001406621.1, NM_001406622.1 and 2 more transcripts); c.535C>T, p.Pro179Ser (NM_001406626.1); c.532C>T, p.Pro178Ser (NM_001406627.1, NM_001406628.1); and 1 more; short protein forms P179S, P445S, P178S, P374S, P375S, P495S, P496S, P444S.
Identifiers: ClinVar variation 1773669 (VCV001773669.2), dbSNP rs2538746054, ClinGen allele CA375365427.
Genomic context (GRCh38, chr9:132,906,092, plus strand): 5'-GAGAACCTGGGAGACTGTCTCGGTAAAAGGGAGAGTCAAAGCCTCCTCGAGGAACCACAG[G>A]CTCTGCCTCTGCTGTGGTGATCTCAGAAAGTTCTCTAGATATTGCAGCTGAGAGGAAGAG-3'
Protein context (NP_000359.1, residues 486-506): LSEITTAEAE[Pro496Ser]VVPRGGFDSP

ClinVar aggregate classification (germline): Uncertain significance (1 of 4 stars; one submission).

Conditions:
Hereditary cancer-predisposing syndrome. Also called: Hereditary Cancer Syndrome; Hereditary neoplastic syndrome; Neoplastic Syndromes, Hereditary; Tumor predisposition. Identifiers: Orphanet 140162, MedGen C0027672, MeSH D009386, MONDO:0015356.

Submission:

Ambry Genetics
Classification: Uncertain significance for Hereditary cancer-predisposing syndrome. Last evaluated: 2020-11-13. Review status: criteria provided, single submitter. Criteria: Ambry Variant Classification Scheme 2023. Collection method: clinical testing. Allele origin: germline.
Comment: The p.P496S variant (also known as c.1486C>T), located in coding exon 13 of the TSC1 gene, results from a C to T substitution at nucleotide position 1486. The proline at codon 496 is replaced by serine, an amino acid with similar properties. This amino acid position is well conserved in available vertebrate species. In addition, this alteration is predicted to be tolerated by in silico analysis. Since supporting evidence is limited at this time, the clinical significance of this alteration remains unclear.